The following is an entry in ClinVar:

ClinVar aggregate classification (germline): Uncertain significance (1 of 4 stars; one submission).

Conditions:
Neonatal-onset encephalopathy with rigidity and seizures. Also called: Lethal neonatal spasticity-epileptic encephalopathy syndrome. Identifiers: Orphanet 435845, MedGen C3281029, MONDO:0013784, OMIM 614498.

Allele frequency attached by ClinVar (database versions not stated): gnomAD 0.00001; TOPMed 0.00001.
gnomAD v4.1: 2 of 1,598,304 alleles (0.00013%); highest among the groups gnomAD compares: African/African-American, 0.0027%; no homozygotes.

Submission:

Labcorp Genetics (formerly Invitae), Labcorp
Classification: Uncertain significance for Neonatal-onset encephalopathy with rigidity and seizures. Last evaluated: 2022-05-24. Review status: criteria provided, single submitter. Criteria: Invitae Variant Classification Sherloc (09022015). Collection method: clinical testing. Allele origin: germline.
Comment: This sequence change replaces glutamine, which is neutral and polar, with lysine, which is basic and polar, at codon 614 of the BRAT1 protein (p.Gln614Lys). This variant is not present in population databases (gnomAD no frequency). This variant has not been reported in the literature in individuals affected with BRAT1-related conditions. Algorithms developed to predict the effect of missense changes on protein structure and function (SIFT, PolyPhen-2, Align-GVGD) all suggest that this variant is likely to be tolerated. In summary, the available evidence is currently insufficient to determine the role of this variant in disease. Therefore, it has been classified as a Variant of Uncertain Significance.

NM_152743.4(BRAT1):c.1840C>A (p.Gln614Lys)

Gene: BRAT1 (BRCA1 associated ATM activator 1; minus strand). Cytogenetic location: 7p22.3.
Variant type: single nucleotide variant.
Coding change: c.1840C>A on transcript NM_152743.4 (MANE Select); coding-DNA position 1840, C replaced by A.
Protein change: p.Gln614Lys; replaces glutamine 614 with lysine.
Molecular consequence: missense variant. On other transcripts: non-coding transcript variant (1).
Genome position (GRCh38, 1-based): chr7:2,538,695, G>T on the plus strand (C>A on the coding strand, the complement: BRAT1 is on the minus strand). VCF-style: chr7-2538695-G-T. GRCh37 (hg19) VCF-style: chr7-2578329-G-T.
Other names: c.2020C>A, p.Gln674Lys (NM_001350626.2); c.1315C>A, p.Gln439Lys (NM_001350627.2); short protein forms Q614K, Q439K, Q674K.
Identifiers: ClinVar variation 2128006 (VCV002128006.1), dbSNP rs1052110060, ClinGen allele CA152665018.